The following is an entry in ClinVar:

ClinVar aggregate classification (germline): Pathogenic (1 of 4 stars; one submission).

Conditions:
RYR1-related disorder. Also called: RYR1-related condition; RYR1-related disorders. Identifiers: MedGen CN239331.

Submission:

Labcorp Genetics (formerly Invitae), Labcorp
Classification: Pathogenic for RYR1-related disorder. Last evaluated: 2023-02-24. Review status: criteria provided, single submitter. Criteria: Invitae Variant Classification Sherloc (09022015). Collection method: clinical testing. Allele origin: germline.
Comment: For these reasons, this variant has been classified as Pathogenic. This variant has not been reported in the literature in individuals affected with RYR1-related conditions. The frequency data for this variant in the population databases is considered unreliable, as metrics indicate insufficient coverage at this position in the gnomAD database. This sequence change creates a premature translational stop signal (p.Ser4309Thrfs*31) in the RYR1 gene. It is expected to result in an absent or disrupted protein product. Loss-of-function variants in RYR1 are known to be pathogenic (PMID: 23919265, 25960145, 28818389, 30611313).

Literature cited by the submitters: PubMed 23919265; PubMed 25960145; PubMed 28818389; PubMed 30611313.

NM_000540.3(RYR1):c.12926_12929del (p.Ser4309fs)

Gene: RYR1 (ryanodine receptor 1; plus strand). Cytogenetic location: 19q13.2.
Variant type: Deletion.
Coding change: c.12926_12929del on transcript NM_000540.3 (MANE Select); coding-DNA positions 12926 to 12929, 4 bases deleted (GCTA; older notation c.12926_12929delGCTA).
Protein change: p.Ser4309fs; shifts the reading frame from serine 4309.
Molecular consequence: frameshift variant.
Genome position (GRCh38, 1-based): chr19:38,565,260-38,565,263, GCTA deleted; deleting any 4 consecutive bases within chr19:38,565,259-38,565,263 gives the same sequence; the c. name uses the placement nearest the transcript's 3' end. VCF-style (leftmost placement, unchanged base first): chr19-38565258-CAGCT-C. GRCh37 (hg19) VCF-style: chr19-39055898-CAGCT-C.
Other names: c.12911_12914del, p.Ser4304fs (NM_001042723.2); short protein forms S4304fs, S4309fs.
Identifiers: ClinVar variation 2718363 (VCV002718363.3), dbSNP rs2514677222, ClinGen allele CA2576772100.
Genomic context (GRCh38, chr19:38,565,258, plus strand): 5'-GGCGGCGGCGGGGGCGACGGCGCGGGTTGTGGCGGCCGCAGGCCGGGCCCTGCGAGGCCT[CAGCT>C]ACCGCAGCCTGCGGCGGCGCGTGCGGCGGCTGCGGCGGCTTACGGCCCGCGAGGCGGCCA-3'